The following is an entry in ClinVar:

ClinVar aggregate classification (germline): Conflicting classifications of pathogenicity. Review status: criteria provided, conflicting classifications (1 of 4 stars). 7 submissions from 7 submitters: Pathogenic (1); Likely pathogenic (1); Uncertain significance (2). 3 of the submissions do not count toward it. Last evaluated 2025-10-12.

Conditions:
MYO15A-related disorder. Also called: MYO15A-related condition.
Autosomal recessive nonsyndromic hearing loss 3. Also called: NEUROSENSORY NONSYNDROMIC RECESSIVE DEAFNESS 3. Identifiers: Orphanet 90636, MedGen C1838263, MONDO:0010860, OMIM 600316.

Allele frequency attached by ClinVar (database versions not stated): gnomAD 0.00010 and 0.00011; gnomAD exomes 0.00014 and 0.00021; TOPMed 0.00008; ExAC 0.00003.
gnomAD v4.1: 322 of 1,613,826 alleles (0.02%); highest among the groups gnomAD compares: Non-Finnish European, 0.024%; 1 homozygote.

Submissions (7):

Labcorp Genetics (formerly Invitae), Labcorp
Classification: Pathogenic. Last evaluated: 2025-10-12. Review status: criteria provided, single submitter. Criteria: Invitae Variant Classification Sherloc (09022015). Collection method: clinical testing. Allele origin: germline.
Comment: This sequence change replaces arginine, which is basic and polar, with tryptophan, which is neutral and slightly polar, at codon 2194 of the MYO15A protein (p.Arg2194Trp). This variant is present in population databases (rs773551819, gnomAD 0.03%). This missense change has been observed in individual(s) with deafness (PMID: 29907799; internal data). In at least one individual the data is consistent with being in trans (on the opposite chromosome) from a pathogenic variant. ClinVar contains an entry for this variant (Variation ID: 417946). Invitae Evidence Modeling of protein sequence and biophysical properties (such as structural, functional, and spatial information, amino acid conservation, physicochemical variation, residue mobility, and thermodynamic stability) indicates that this missense variant is not expected to disrupt MYO15A protein function with a negative predictive value of 95%. For these reasons, this variant has been classified as Pathogenic.

Women's Health and Genetics/Laboratory Corporation of America, LabCorp
Classification: Uncertain significance. Last evaluated: 2025-07-31. Review status: criteria provided, single submitter. Criteria: LabCorp Variant Classification Summary - May 2015. Collection method: clinical testing. Allele origin: germline.
Comment: Variant summary: MYO15A c.6580C>T (p.Arg2194Trp) results in a non-conservative amino acid change in the encoded protein sequence. Algorithms developed to predict the effect of missense changes on protein structure and function are either unavailable or do not agree on the potential impact of this missense change. The variant allele was found at a frequency of 0.00014 in 249080 control chromosomes. This frequency is not significantly higher than estimated for a pathogenic variant in MYO15A causing Autosomal Recessive Nonsyndromic Hearing Loss 3, allowing no conclusion about variant significance. c.6580C>T has been observed in the presumed compound heterozygous or triply heterozygous state in multiple individual(s) affected with Autosomal Recessive Nonsyndromic Hearing Loss 3 (example, Sommen_2016, Tropitzsch_2023, Sheppard_2018, Labcorp Genetics (formerly Invitae)). These data indicate that the variant may be associated with disease. To our knowledge, no experimental evidence demonstrating an impact on protein function has been reported. The following publications have been ascertained in the context of this evaluation (PMID: 27068579, 37438890, 36401330, 29907799). ClinVar contains an entry for this variant (Variation ID: 417946). Based on the evidence outlined above, the variant was classified as VUS-possibly pathogenic.

GeneDx
Classification: Likely pathogenic. Last evaluated: 2025-04-10. Review status: criteria provided, single submitter. Criteria: GeneDx Variant Classification Process June 2021. Collection method: clinical testing. Allele origin: germline. Affected: yes.
Comment: In silico analysis supports that this missense variant has a deleterious effect on protein structure/function; This variant is associated with the following publications: (PMID: 29907799)

Blueprint Genetics
Classification: Uncertain significance. Last evaluated: 2023-11-30. Review status: criteria provided, single submitter. Criteria: ACMG Guidelines, 2015. Collection method: clinical testing. Allele origin: germline.

PreventionGenetics, part of Exact Sciences
Classification: Uncertain significance for MYO15A-related condition. Last evaluated: 2024-06-17. Review status: no assertion criteria provided. Collection method: clinical testing. Allele origin: germline. Not counted in ClinVar's aggregate classification.
Comment: The MYO15A c.6580C>T variant is predicted to result in the amino acid substitution p.Arg2194Trp. This variant was reported in trans to a pathogenic premature termination variant in two siblings with hearing loss, although a second missense variant was also present in cis with this variant (Sheppard et al. 2018. PubMed ID: 29907799). This variant is reported in 0.040% of alleles in individuals of European (Finnish) descent in gnomAD. At this time, the clinical significance of this variant is uncertain due to the absence of conclusive functional and genetic evidence.

Division of Human Genetics, Children's Hospital of Philadelphia
Classification: Uncertain significance for Autosomal recessive nonsyndromic hearing loss 3. Last evaluated: 2016-06-29. Review status: no assertion criteria provided. Collection method: research. Allele origin: maternal. Affected: yes. Study: CSER-PediSeq. Not counted in ClinVar's aggregate classification.

Clinical Genetics DNA and cytogenetics Diagnostics Lab, Erasmus MC, Erasmus Medical Center
Classification: Uncertain significance. Review status: no assertion criteria provided. Collection method: clinical testing. Allele origin: germline. Affected: yes. Study: VKGL Data-share Consensus. Not counted in ClinVar's aggregate classification.

Literature cited by the submitters: PubMed 29907799 (cited by Labcorp Genetics (formerly Invitae), Labcorp and Women's Health and Genetics/Laboratory Corporation of America, LabCorp); PubMed 27068579 (cited by Women's Health and Genetics/Laboratory Corporation of America, LabCorp); PubMed 36401330 (cited by Women's Health and Genetics/Laboratory Corporation of America, LabCorp); PubMed 37438890 (cited by Women's Health and Genetics/Laboratory Corporation of America, LabCorp).

NM_016239.4(MYO15A):c.6580C>T (p.Arg2194Trp)

Gene: MYO15A (myosin XVA; plus strand). Cytogenetic location: 17p11.2.
Variant type: single nucleotide variant.
Coding change: c.6580C>T on transcript NM_016239.4 (MANE Select); coding-DNA position 6580, C replaced by T.
Protein change: p.Arg2194Trp; replaces arginine 2194 with tryptophan.
Molecular consequence: missense variant.
Genome position (GRCh38, 1-based): chr17:18,148,099, C>T. VCF-style: chr17-18148099-C-T. GRCh37 (hg19) VCF-style: chr17-18051413-C-T.
Other names: short protein forms R2194W.
Identifiers: ClinVar variation 417946 (VCV000417946.11), dbSNP rs773551819, ClinGen allele CA8424626.